The following is an entry in ClinVar:

NM_001291303.3(FAT4):c.2985G>A (p.Val995=)

Gene: FAT4 (FAT atypical cadherin 4; plus strand). Cytogenetic location: 4q28.1.
Variant type: single nucleotide variant.
Coding change: c.2985G>A on transcript NM_001291303.3 (MANE Select); coding-DNA position 2985, G replaced by A.
Protein change: p.Val995=; no amino-acid change (valine 995 retained).
Molecular consequence: synonymous variant.
Genome position (GRCh38, 1-based): chr4:125,319,396, G>A. VCF-style: chr4-125319396-G-A. GRCh37 (hg19) VCF-style: chr4-126240551-G-A.
Other names: c.2985G>A, p.Val995= (NM_001291285.3, NM_024582.6).
Identifiers: ClinVar variation 1617210 (VCV001617210.33), dbSNP rs201226727, ClinGen allele CA3072241.

ClinVar aggregate classification (germline): Likely benign. Review status: criteria provided, multiple submitters, no conflicts (2 of 4 stars). 3 submissions from 3 submitters: Likely benign (3). Last evaluated 2026-01-05.

Allele frequency attached by ClinVar (database versions not stated): TOPMed 0.00005; gnomAD exomes 0.00007 and 0.00008; ExAC 0.00008; gnomAD 0.00011 and 0.00012.
gnomAD v4.1: 121 of 1,613,228 alleles (0.0075%); highest among the groups gnomAD compares: Non-Finnish European, 0.0083%; no homozygotes.

Submissions (3):

Labcorp Genetics (formerly Invitae), Labcorp
Classification: Likely benign. Last evaluated: 2026-01-05. Review status: criteria provided, single submitter. Criteria: Invitae Variant Classification Sherloc (09022015). Collection method: clinical testing. Allele origin: germline.

Blueprint Genetics
Classification: Likely benign. Last evaluated: 2024-08-15. Review status: criteria provided, single submitter. Criteria: ACMG Guidelines, 2015. Collection method: clinical testing. Allele origin: germline.

CeGaT Center for Human Genetics Tuebingen
Classification: Likely benign. Last evaluated: 2023-10-01. Review status: criteria provided, single submitter. Criteria: CeGaT Center For Human Genetics Tuebingen Variant Classification Criteria Version 2. Collection method: clinical testing. Allele origin: germline. Affected: yes. Observed: 2 variant alleles.
Comment: FAT4: BP4, BP7